The following is an entry in ClinVar:

NM_000059.4(BRCA2):c.6019A>G (p.Thr2007Ala)

Gene: BRCA2 (BRCA2 DNA repair associated; plus strand). Cytogenetic location: 13q13.1.
Variant type: single nucleotide variant.
Coding change: c.6019A>G on transcript NM_000059.4 (MANE Select); coding-DNA position 6019, A replaced by G.
Protein change: p.Thr2007Ala; replaces threonine 2007 with alanine.
Molecular consequence: missense variant.
Genome position (GRCh38, 1-based): chr13:32,340,374, A>G. VCF-style: chr13-32340374-A-G. GRCh37 (hg19) VCF-style: chr13-32914511-A-G.
Other names: c.6019A>G, p.Thr2007Ala (NM_001406719.1, NM_001406720.1); short protein forms T2007A.
Identifiers: ClinVar variation 1719955 (VCV001719955.7), dbSNP rs2548532388, ClinGen allele CA387787742.

ClinVar aggregate classification (germline): Conflicting classifications of pathogenicity. Review status: criteria provided, conflicting classifications (1 of 4 stars). 2 submissions from 2 submitters: Uncertain significance (1); Likely benign (1). Last evaluated 2024-04-29.

Conditions:
Hereditary cancer-predisposing syndrome. Also called: Hereditary neoplastic syndrome; Neoplastic Syndromes, Hereditary; Hereditary Cancer Syndrome; Tumor predisposition. Identifiers: Orphanet 140162, MedGen C0027672, MeSH D009386, MONDO:0015356.
Hereditary breast ovarian cancer syndrome. Also called: BRCA1- and BRCA2-Associated Hereditary Breast and Ovarian Cancer; Hereditary breast and ovarian cancer syndrome (HBOC); Hereditary breast and/or ovarian cancer syndrome; Hereditary breast and ovarian cancer syndrome; Hereditary breast and ovarian cancer; Breast and ovarian cancer. Identifiers: Orphanet 145, MedGen C0677776, MeSH D061325, MONDO:0003582. Disease mechanism: loss of function.

Submissions (2):

Labcorp Genetics (formerly Invitae), Labcorp
Classification: Uncertain significance for Hereditary breast ovarian cancer syndrome. Last evaluated: 2024-04-29. Review status: criteria provided, single submitter. Criteria: Invitae Variant Classification Sherloc (09022015). Collection method: clinical testing. Allele origin: germline.
Comment: This sequence change replaces threonine, which is neutral and polar, with alanine, which is neutral and non-polar, at codon 2007 of the BRCA2 protein (p.Thr2007Ala). This variant is not present in population databases (gnomAD no frequency). This variant has not been reported in the literature in individuals affected with BRCA2-related conditions. ClinVar contains an entry for this variant (Variation ID: 1719955). Advanced modeling of protein sequence and biophysical properties (such as structural, functional, and spatial information, amino acid conservation, physicochemical variation, residue mobility, and thermodynamic stability) performed at Invitae indicates that this missense variant is not expected to disrupt BRCA2 protein function with a negative predictive value of 95%. In summary, the available evidence is currently insufficient to determine the role of this variant in disease. Therefore, it has been classified as a Variant of Uncertain Significance.

University of Washington Department of Laboratory Medicine, University of Washington
Classification: Likely benign for Hereditary cancer-predisposing syndrome. Last evaluated: 2023-03-23. Review status: criteria provided, single submitter. Criteria: Dines et al. (Genet Med. 2020). Collection method: curation. Allele origin: germline.
Comment: Missense variant in a coldspot region where missense variants are very unlikely to be pathogenic (PMID:31911673).

BRCA2 exon 11 coldspot. Reclassification based on statistical prior probability.